The following is an entry in ClinVar:

NM_002497.4(NEK2):c.1268G>A (p.Arg423Gln)

Gene: NEK2 (NIMA related kinase 2; minus strand). Cytogenetic location: 1q32.3.
Variant type: single nucleotide variant.
Coding change: c.1268G>A on transcript NM_002497.4 (MANE Select); coding-DNA position 1268, G replaced by A.
Protein change: p.Arg423Gln; replaces arginine 423 with glutamine.
Molecular consequence: missense variant. On other transcripts: intron variant (1).
Genome position (GRCh38, 1-based): chr1:211,663,496, C>T on the plus strand (G>A on the coding strand, the complement: NEK2 is on the minus strand). VCF-style: chr1-211663496-C-T. GRCh37 (hg19) VCF-style: chr1-211836838-C-T.
Other names: c.1111+3610G>A (NM_001204182.2); short protein forms R423Q.
Identifiers: ClinVar variation 1378965 (VCV001378965.8), dbSNP rs1211179624, ClinGen allele CA344773613.

ClinVar aggregate classification (germline): Uncertain significance (1 of 4 stars; one submission).

Allele frequency attached by ClinVar (database versions not stated): gnomAD exomes 0.00001 and 0.00002; gnomAD 0.00002 and 0.00003; TOPMed 0.00002.
gnomAD v4.1: 10 of 1,613,800 alleles (0.00062%); highest among the groups gnomAD compares: Admixed American, 0.0033%; no homozygotes.

Submission:

Labcorp Genetics (formerly Invitae), Labcorp
Classification: Uncertain significance. Last evaluated: 2024-06-06. Review status: criteria provided, single submitter. Criteria: Invitae Variant Classification Sherloc (09022015). Collection method: clinical testing. Allele origin: germline.
Comment: This sequence change replaces arginine, which is basic and polar, with glutamine, which is neutral and polar, at codon 423 of the NEK2 protein (p.Arg423Gln). This variant is present in population databases (no rsID available, gnomAD 0.004%). This variant has not been reported in the literature in individuals affected with NEK2-related conditions. ClinVar contains an entry for this variant (Variation ID: 1378965). An algorithm developed to predict the effect of missense changes on protein structure and function (PolyPhen-2) suggests that this variant is likely to be disruptive. In summary, the available evidence is currently insufficient to determine the role of this variant in disease. Therefore, it has been classified as a Variant of Uncertain Significance.